The following is an entry in ClinVar:

NM_002294.3(LAMP2):c.901A>C (p.Ile301Leu)

Gene: LAMP2 (lysosomal associated membrane protein 2; minus strand). Cytogenetic location: Xq24.
Variant type: single nucleotide variant.
Coding change: c.901A>C on transcript NM_002294.3 (MANE Select); coding-DNA position 901, A replaced by C.
Protein change: p.Ile301Leu; replaces isoleucine 301 with leucine.
Molecular consequence: missense variant.
Genome position (GRCh38, 1-based): chrX:120,442,626, T>G on the plus strand (A>C on the coding strand, the complement: LAMP2 is on the minus strand). VCF-style: chrX-120442626-T-G. GRCh37 (hg19) VCF-style: chrX-119576481-T-G.
Other names: c.901A>C, p.Ile301Leu (NM_001122606.1, NM_013995.2); short protein forms I301L.
Identifiers: ClinVar variation 4532407 (VCV004532407.1).

ClinVar aggregate classification (germline): Uncertain significance (1 of 4 stars; one submission).

gnomAD v4.1: 1 of 1,208,767 alleles (0.000083%); highest among the groups gnomAD compares: Non-Finnish European, 0.00011%; no homozygotes.

Submission:

GeneDx
Classification: Uncertain significance. Last evaluated: 2025-05-27. Review status: criteria provided, single submitter. Criteria: GeneDx Variant Classification Process June 2021. Collection method: clinical testing. Allele origin: germline. Affected: yes.
Comment: Not observed at significant frequency in large population cohorts (gnomAD); In silico analysis suggests that this missense variant does not alter protein structure/function; Has not been previously published as pathogenic or benign to our knowledge